The following is an entry in ClinVar:

NM_014727.3(KMT2B):c.1628C>A (p.Pro543His)

Gene: KMT2B (lysine methyltransferase 2B; plus strand). Cytogenetic location: 19q13.12.
Variant type: single nucleotide variant.
Coding change: c.1628C>A on transcript NM_014727.3 (MANE Select); coding-DNA position 1628, C replaced by A.
Protein change: p.Pro543His; replaces proline 543 with histidine.
Molecular consequence: missense variant.
Genome position (GRCh38, 1-based): chr19:35,720,975, C>A. VCF-style: chr19-35720975-C-A. GRCh37 (hg19) VCF-style: chr19-36211877-C-A.
Other names: short protein forms P543H.
Identifiers: ClinVar variation 5017773 (VCV005017773.1).

ClinVar aggregate classification (germline): Uncertain significance (1 of 4 stars; one submission).

Submission:

GeneDx
Classification: Uncertain significance. Last evaluated: 2026-03-27. Review status: criteria provided, single submitter. Criteria: GeneDx Variant Classification Process June 2021. Collection method: clinical testing. Allele origin: germline.
Comment: Not observed at significant frequency in large population cohorts (gnomAD); In silico analysis supports that this missense variant has a deleterious effect on protein structure/function; Has not been previously published as pathogenic or benign to our knowledge